The following is an entry in ClinVar:

ClinVar aggregate classification (germline): Pathogenic (1 of 4 stars; one submission).

Conditions:
Thrombocytopenia 1. Also called: X-Linked Thrombocytopenia (XLT); X-linked thrombocytopenia with normal platelets; THROMBOCYTOPENIA, X-LINKED, 1. Identifiers: Orphanet 268322, Orphanet 852, MedGen C1839163, MONDO:0010743, OMIM 313900.

Submission:

Institute of Medical Genetics and Applied Genomics, University Hospital Tübingen
Classification: Pathogenic for Thrombocytopenia 1. Last evaluated: 2022-11-15. Review status: criteria provided, single submitter. Criteria: ACMG Guidelines, 2015. Collection method: clinical testing. Allele origin: germline. Inheritance: X-linked recessive inheritance. Affected: yes.
Comment: RNAseq data demonstrate aberrant splicing

NM_000377.3(WAS):c.464-11T>G

Gene: WAS (WASP actin nucleation promoting factor; plus strand). Cytogenetic location: Xp11.23.
Variant type: single nucleotide variant.
Coding change: c.464-11T>G on transcript NM_000377.3 (MANE Select); 11 bases into the intron before coding-DNA position 464, T replaced by G.
Molecular consequence: intron variant.
Genome position (GRCh38, 1-based): chrX:48,685,935, T>G. VCF-style: chrX-48685935-T-G. GRCh37 (hg19) VCF-style: chrX-48544324-T-G.
Identifiers: ClinVar variation 1723230 (VCV001723230.1), dbSNP rs2519281309, ClinGen allele CA2580101050.